The following is an entry in ClinVar:

ClinVar aggregate classification (germline): Benign/Likely benign. Review status: criteria provided, multiple submitters, no conflicts (2 of 4 stars). 11 submissions from 11 submitters: Benign (5); Likely benign (5). 1 of the submissions does not count toward it. Last evaluated 2026-09-01.

Conditions:
Cardiovascular phenotype. Identifiers: MedGen CN230736.
Arrhythmogenic cardiomyopathy with wooly hair and keratoderma. Also called: Carvajal syndrome; Dilated cardiomyopathy with woolly hair and keratoderma; Arrhythmogenic cardiomyopathy with woolly hair and keratoderma; PALMOPLANTAR KERATODERMA WITH LEFT VENTRICULAR CARDIOMYOPATHY AND WOOLLY HAIR. Identifiers: Orphanet 65282, MedGen C1854063, MONDO:0011581, OMIM 605676.
Arrhythmogenic right ventricular dysplasia 8 (ARVD8). Also called: Arrhythmogenic Right Ventricular Dysplasia/Cardiomyopathy 8; ARRHYTHMOGENIC RIGHT VENTRICULAR DYSPLASIA, FAMILIAL, 8; ARRHYTHMOGENIC RIGHT VENTRICULAR CARDIOMYOPATHY 8. Identifiers: MedGen C1843896, MONDO:0011831, OMIM 607450.
DSP-related disorder. Also called: DSP-related condition; DSP-related disorders.
Cardiomyopathy (CMYO). Also called: Cardiomyopathies. Identifiers: Orphanet 167848, MedGen C0878544, MONDO:0004994, HP:0001638. Inheritance: Various modes of inheritance.

Allele frequency attached by ClinVar (database versions not stated): gnomAD 0.00006; gnomAD exomes 0.00007 and 0.00034; TOPMed 0.00016; ExAC 0.00030.
gnomAD v4.1: 107 of 1,614,070 alleles (0.0066%); highest among the groups gnomAD compares: Admixed American, 0.17%; no homozygotes.

Submissions (11):

CeGaT Center for Human Genetics Tuebingen
Classification: Likely benign. Last evaluated: 2026-09-01. Review status: criteria provided, single submitter. Criteria: CeGaT Center For Human Genetics Tuebingen Variant Classification Criteria Version 2. Collection method: clinical testing. Allele origin: germline. Affected: yes. Observed: 7 variant alleles.
Comment: DSP: BP4, BP7

Labcorp Genetics (formerly Invitae), Labcorp
Classification: Benign for Arrhythmogenic cardiomyopathy with wooly hair and keratoderma; Arrhythmogenic right ventricular dysplasia 8. Last evaluated: 2026-01-19. Review status: criteria provided, single submitter. Criteria: Invitae Variant Classification Sherloc (09022015). Collection method: clinical testing. Allele origin: germline.

All of Us Research Program, National Institutes of Health
Classification: Benign for Arrhythmogenic cardiomyopathy with wooly hair and keratoderma. Last evaluated: 2023-12-18. Review status: criteria provided, single submitter. Criteria: ACMG Guidelines, 2015. Collection method: clinical testing. Allele origin: germline. Inheritance: Autosomal dominant inheritance. Observed: 28 variant alleles, 28 heterozygotes.
Comment: This study involves interpretation of variants in research participants for the purpose of population health screening. Participant phenotype was not available at the time of variant classification. Additional details can be found in publication PMID: 35346344, PMCID: PMC8962531

Ambry Genetics
Classification: Likely benign for Cardiovascular phenotype. Last evaluated: 2022-08-08. Review status: criteria provided, single submitter. Criteria: Ambry Variant Classification Scheme 2023. Collection method: clinical testing. Allele origin: germline.

GeneDx
Classification: Likely benign. Last evaluated: 2021-11-11. Review status: criteria provided, single submitter. Criteria: GeneDx Variant Classification Process June 2021. Collection method: clinical testing. Allele origin: germline. Affected: yes.

Women's Health and Genetics/Laboratory Corporation of America, LabCorp
Classification: Benign. Last evaluated: 2021-08-08. Review status: criteria provided, single submitter. Criteria: LabCorp Variant Classification Summary - May 2015. Collection method: clinical testing. Allele origin: germline.

Blueprint Genetics
Classification: Likely benign. Last evaluated: 2019-12-27. Review status: criteria provided, single submitter. Criteria: ACMG Guidelines, 2015. Collection method: clinical testing. Allele origin: germline.

ARUP Laboratories, Molecular Genetics and Genomics, ARUP Laboratories
Classification: Benign. Last evaluated: 2019-01-23. Review status: criteria provided, single submitter. Criteria: ARUP Molecular Germline Variant Investigation Process. Collection method: clinical testing. Allele origin: germline.

Color Diagnostics, LLC DBA Color Health
Classification: Benign for Cardiomyopathy. Last evaluated: 2018-07-02. Review status: criteria provided, single submitter. Criteria: ACMG Guidelines, 2015. Collection method: clinical testing. Allele origin: germline.

Breakthrough Genomics
Classification: Likely benign. Review status: criteria provided, single submitter. Criteria: ACMG Guidelines, 2015. Collection method: not provided. Allele origin: germline. Inheritance: Autosomal recessive inheritance. Affected: yes.

PreventionGenetics, part of Exact Sciences
Classification: Likely benign for DSP-related condition. Last evaluated: 2019-07-03. Review status: no assertion criteria provided. Collection method: clinical testing. Allele origin: germline. Not counted in ClinVar's aggregate classification.
Comment: This variant is classified as likely benign based on ACMG/AMP sequence variant interpretation guidelines (Richards et al. 2015 PMID: 25741868, with internal and published modifications).

NM_004415.4(DSP):c.7548G>A (p.Arg2516=)

Gene: DSP (desmoplakin; plus strand). Cytogenetic location: 6p24.3.
Variant type: single nucleotide variant.
Coding change: c.7548G>A on transcript NM_004415.4 (MANE Select); coding-DNA position 7548, G replaced by A.
Protein change: p.Arg2516=; no amino-acid change (arginine 2516 retained).
Molecular consequence: synonymous variant.
Genome position (GRCh38, 1-based): chr6:7,584,810, G>A. VCF-style: chr6-7584810-G-A. GRCh37 (hg19) VCF-style: chr6-7585043-G-A.
Other names: c.7548G>A (LRG_423t1); c.5751G>A, p.Arg1917= (NM_001008844.3); c.6219G>A, p.Arg2073= (NM_001319034.2).
Identifiers: ClinVar variation 357964 (VCV000357964.38), dbSNP rs756527780, ClinGen allele CA050054.